The following is an entry in ClinVar:

ClinVar aggregate classification (germline): Uncertain significance (1 of 4 stars; one submission).

Allele frequency attached by ClinVar (database versions not stated): ExAC 0.00001; TOPMed 0.00001; gnomAD 0.00003.
gnomAD v4.1: 20 of 1,614,004 alleles (0.0012%); highest among the groups gnomAD compares: East Asian, 0.0067%; no homozygotes.

Submission:

Labcorp Genetics (formerly Invitae), Labcorp
Classification: Uncertain significance. Last evaluated: 2025-08-26. Review status: criteria provided, single submitter. Criteria: Invitae Variant Classification Sherloc (09022015). Collection method: clinical testing. Allele origin: germline.
Comment: This sequence change replaces valine, which is neutral and non-polar, with methionine, which is neutral and non-polar, at codon 559 of the ADGRA3 protein (p.Val559Met). The frequency data for this variant in the population databases is considered unreliable, as metrics indicate poor data quality at this position in the gnomAD database. This variant has not been reported in the literature in individuals affected with ADGRA3-related conditions. ClinVar contains an entry for this variant (Variation ID: 1922971). An algorithm developed to predict the effect of missense changes on protein structure and function (PolyPhen-2) suggests that this variant is likely to be disruptive. In summary, the available evidence is currently insufficient to determine the role of this variant in disease. Therefore, it has been classified as a Variant of Uncertain Significance.

NM_145290.4(ADGRA3):c.1675G>A (p.Val559Met)

Gene: ADGRA3 (adhesion G protein-coupled receptor A3; minus strand). Cytogenetic location: 4p15.2.
Variant type: single nucleotide variant.
Coding change: c.1675G>A on transcript NM_145290.4 (MANE Select); coding-DNA position 1675, G replaced by A.
Protein change: p.Val559Met; replaces valine 559 with methionine.
Molecular consequence: missense variant.
Genome position (GRCh38, 1-based): chr4:22,421,020, C>T on the plus strand (G>A on the coding strand, the complement: ADGRA3 is on the minus strand). VCF-style: chr4-22421020-C-T. GRCh37 (hg19) VCF-style: chr4-22422643-C-T.
Other names: short protein forms V559M.
Identifiers: ClinVar variation 1922971 (VCV001922971.5), dbSNP rs530568926, ClinGen allele CA2873874.